The following is an entry in ClinVar:

ClinVar aggregate classification (germline): Uncertain significance (1 of 4 stars; one submission).

Submission:

Ambry Genetics
Classification: Uncertain significance. Last evaluated: 2025-09-26. Review status: criteria provided, single submitter. Criteria: Ambry Variant Classification Scheme 2023. Collection method: clinical testing. Allele origin: germline.
Comment: The p.S1597R variant (also known as c.4791C>G), located in coding exon 42 of the KIF1B gene, results from a C to G substitution at nucleotide position 4791. The serine at codon 1597 is replaced by arginine, an amino acid with dissimilar properties. This amino acid position is conserved. In addition, this alteration is predicted to be tolerated by in silico analysis. Since supporting evidence is limited at this time, the clinical significance of this alteration remains unclear.

NM_001365951.3(KIF1B):c.4929C>G (p.Ser1643Arg)

Gene: KIF1B (kinesin family member 1B; plus strand). Cytogenetic location: 1p36.22.
Variant type: single nucleotide variant.
Coding change: c.4929C>G on transcript NM_001365951.3 (MANE Select); coding-DNA position 4929, C replaced by G.
Protein change: p.Ser1643Arg; replaces serine 1643 with arginine.
Molecular consequence: missense variant.
Genome position (GRCh38, 1-based): chr1:10,371,245, C>G. VCF-style: chr1-10371245-C-G. GRCh37 (hg19) VCF-style: chr1-10431303-C-G.
Other names: c.4929C>G, p.Ser1643Arg (NM_001365952.1); c.4791C>G, p.Ser1597Arg (NM_015074.3); short protein forms S1643R, S1597R.
Identifiers: ClinVar variation 2624325 (VCV002624325.3), dbSNP rs2521952461, ClinGen allele CA338327900.